The following is an entry in ClinVar:

NM_000138.5(FBN1):c.7451A>G (p.Lys2484Arg)

Gene: FBN1 (fibrillin 1; minus strand). Cytogenetic location: 15q21.1.
Variant type: single nucleotide variant.
Coding change: c.7451A>G on transcript NM_000138.5 (MANE Select); coding-DNA position 7451, A replaced by G.
Protein change: p.Lys2484Arg; replaces lysine 2484 with arginine.
Molecular consequence: missense variant.
Genome position (GRCh38, 1-based): chr15:48,425,371, T>C on the plus strand (A>G on the coding strand, the complement: FBN1 is on the minus strand). VCF-style: chr15-48425371-T-C. GRCh37 (hg19) VCF-style: chr15-48717568-T-C.
Other names: short protein forms K2484R.
Identifiers: ClinVar variation 628178 (VCV000628178.16), dbSNP rs374630707, ClinGen allele CA058560.

ClinVar aggregate classification (germline): Conflicting classifications of pathogenicity. Review status: criteria provided, conflicting classifications (1 of 4 stars). 7 submissions from 7 submitters: Uncertain significance (6); Likely benign (1). Last evaluated 2026-01-11.

Conditions:
Familial thoracic aortic aneurysm and aortic dissection (TAAD). Also called: Thoracic aortic aneurysms and dissections. Identifiers: Orphanet 91387, MedGen C4707243, MONDO:0019625.
Marfan syndrome (MFS). Also called: FBN1-Related Marfan Syndrome; Marfan syndrome type 1; Marfan's syndrome; Marfan syndrome, classic; MARFAN SYNDROME, TYPE I. Identifiers: Orphanet 284963, Orphanet 558, MedGen C0024796, MONDO:0007947, OMIM 154700.
FBN1-related disorder. Also called: FBN1-related disorders.

Allele frequency attached by ClinVar (database versions not stated): gnomAD exomes 0.00004 and 0.00003; ESP Exome Variant Server 0.00008; TOPMed 0.00003; gnomAD 0.00003; ExAC 0.00003.
gnomAD v4.1: 48 of 1,614,062 alleles (0.003%); highest among the groups gnomAD compares: Non-Finnish European, 0.0036%; no homozygotes.

Submissions (7):

Labcorp Genetics (formerly Invitae), Labcorp
Classification: Uncertain significance for Marfan syndrome; Familial thoracic aortic aneurysm and aortic dissection. Last evaluated: 2026-01-11. Review status: criteria provided, single submitter. Criteria: Invitae Variant Classification Sherloc (09022015). Collection method: clinical testing. Allele origin: germline.
Comment: This sequence change replaces lysine, which is basic and polar, with arginine, which is basic and polar, at codon 2484 of the FBN1 protein (p.Lys2484Arg). This variant is present in population databases (rs374630707, gnomAD 0.005%). This variant has not been reported in the literature in individuals affected with FBN1-related conditions. ClinVar contains an entry for this variant (Variation ID: 628178). An algorithm developed to predict the effect of missense changes on protein structure and function (PolyPhen-2) suggests that this variant is likely to be tolerated. In summary, the available evidence is currently insufficient to determine the role of this variant in disease. Therefore, it has been classified as a Variant of Uncertain Significance.

PreventionGenetics, part of Exact Sciences
Classification: Uncertain significance for FBN1-related condition. Last evaluated: 2024-10-25. Review status: criteria provided, single submitter. Criteria: ACMG Guidelines, 2015. Collection method: clinical testing. Allele origin: germline.
Comment: The FBN1 c.7451A>G variant is predicted to result in the amino acid substitution p.Lys2484Arg. To our knowledge, this variant has not been reported in the literature. This variant is reported in 0.0062% of alleles in individuals of European (Non-Finnish) descent in gnomAD. At this time, the clinical significance of this variant is uncertain due to the absence of conclusive functional and genetic evidence.

Color Diagnostics, LLC DBA Color Health
Classification: Likely benign for Familial thoracic aortic aneurysm and aortic dissection. Last evaluated: 2024-09-03. Review status: criteria provided, single submitter. Criteria: ACMG Guidelines, 2015. Collection method: clinical testing. Allele origin: germline.

All of Us Research Program, National Institutes of Health
Classification: Uncertain significance for Marfan syndrome. Last evaluated: 2023-10-30. Review status: criteria provided, single submitter. Criteria: ACMG Guidelines, 2015. Collection method: clinical testing. Allele origin: germline. Inheritance: Autosomal dominant inheritance. Observed: 7 variant alleles, 7 heterozygotes.
Comment: This missense variant is located in EGF-like domain 42 of the FBN1 protein. Computational prediction tools and conservation analyses are inconclusive regarding the impact of this variant on the protein function. Computational splicing tools suggest that this variant may not impact RNA splicing. To our knowledge, functional assays have not been performed for this variant nor has the variant been reported in individuals affected with cardiovascular disorders in the literature. This variant is rare in the general population and has been identified in 9/251396 chromosomes by the Genome Aggregation Database (gnomAD). Available evidence is insufficient to determine the role of this variant in disease conclusively. Therefore, this variant is classified as a Variant of Uncertain Significance.

This study involves interpretation of variants in research participants for the purpose of population health screening. Participant phenotype was not available at the time of variant classification. Additional details can be found in publication PMID: 35346344, PMCID: PMC8962531

Ambry Genetics
Classification: Uncertain significance for Familial thoracic aortic aneurysm and aortic dissection. Last evaluated: 2022-11-23. Review status: criteria provided, single submitter. Criteria: Ambry Variant Classification Scheme 2023. Collection method: clinical testing. Allele origin: germline.
Comment: The p.K2484R variant (also known as c.7451A>G), located in coding exon 59 of the FBN1 gene, results from an A to G substitution at nucleotide position 7451. The lysine at codon 2484 is replaced by arginine, an amino acid with highly similar properties. This amino acid position is well conserved in available vertebrate species. In addition, this alteration is predicted to be tolerated by in silico analysis. Since supporting evidence is limited at this time, the clinical significance of this alteration remains unclear.

GeneDx
Classification: Uncertain significance. Last evaluated: 2021-01-04. Review status: criteria provided, single submitter. Criteria: GeneDx Variant Classification Process June 2021. Collection method: clinical testing. Allele origin: germline. Affected: yes.
Comment: In silico analysis supports that this missense variant does not alter protein structure/function; Has not been previously published as pathogenic or benign to our knowledge; Although located in a calcium-binding EGF-like domain of the FBN1 gene, it does not affect a cysteine residue within this domain; cysteine substitutions in the calcium-binding EGF-like domains represent the majority of pathogenic missense changes associated with FBN1-related disorders (Collod-Beroud et al., 2003)

Women's Health and Genetics/Laboratory Corporation of America, LabCorp
Classification: Uncertain significance. Last evaluated: 2018-02-21. Review status: criteria provided, single submitter. Criteria: LabCorp Variant Classification Summary - May 2015. Collection method: clinical testing. Allele origin: germline.
Comment: Variant summary: FBN1 c.7451A>G (p.Lys2484Arg) results in a conservative amino acid change located in the EGF-like calcium-binding domain of the encoded protein sequence. Four of five in-silico tools predict a benign effect of the variant on protein function. The variant allele was found at a frequency of 3.2e-05 in 246158 control chromosomes. This frequency is not significantly higher than expected for a pathogenic variant in FBN1 causing Marfan Syndrome (3.2e-05 vs 0.00011), allowing no conclusion about variant significance. To our knowledge, no occurrence of c.7451A>G in individuals affected with Marfan Syndrome and no experimental evidence demonstrating its impact on protein function have been reported. No clinical diagnostic laboratories have submitted clinical-significance assessments for this variant to ClinVar after 2014. Based on the evidence outlined above, the variant was classified as uncertain significance.